The following is an entry in ClinVar:

NM_000070.3(CAPN3):c.1637G>A (p.Arg546His)

Gene: CAPN3 (calpain 3; plus strand). Cytogenetic location: 15q15.1.
Variant type: single nucleotide variant.
Coding change: c.1637G>A on transcript NM_000070.3 (MANE Select); coding-DNA position 1637, G replaced by A.
Protein change: p.Arg546His; replaces arginine 546 with histidine.
Molecular consequence: missense variant.
Genome position (GRCh38, 1-based): chr15:42,402,894, G>A. VCF-style: chr15-42402894-G-A. GRCh37 (hg19) VCF-style: chr15-42695092-G-A.
Other names: c.1637G>A, p.Arg546His (NM_024344.2); c.1493G>A, p.Arg498His (NM_173087.2); c.101G>A, p.Arg34His (NM_173088.2); short protein forms R546H, R34H, R498H.
Identifiers: ClinVar variation 284783 (VCV000284783.14), dbSNP rs762091599, ClinGen allele CA7511451.

ClinVar aggregate classification (germline): Conflicting classifications of pathogenicity. Review status: criteria provided, conflicting classifications (1 of 4 stars). 6 submissions from 6 submitters: Likely pathogenic (1); Uncertain significance (4). 1 of the submissions does not count toward it. Last evaluated 2022-08-23.

Conditions:
Autosomal recessive limb-girdle muscular dystrophy type 2A (LGMDR1). Also called: LEYDEN-MOEBIUS MUSCULAR DYSTROPHY; MUSCULAR DYSTROPHY, PELVOFEMORAL; Muscular dystrophy, limb-girdle, type 2A, Amish; Limb-girdle muscular dystrophy, type 2A; Calpainopathy. Identifiers: Orphanet 267, MedGen C1869123, MONDO:0009675, OMIM 253600. Disease mechanism: loss of function.
Muscular dystrophy, limb-girdle, autosomal dominant 4. Also called: MUSCULAR DYSTROPHY, LIMB-GIRDLE, TYPE 1I; Calpain-3-related limb-girdle muscular dystrophy D4. Identifiers: Orphanet 565909, MedGen C4748295, MONDO:0029133, OMIM 618129.

Allele frequency attached by ClinVar (database versions not stated): gnomAD 0.00001; TOPMed 0.00002; ExAC 0.00002; gnomAD exomes 0.00004 and 0.00003.
gnomAD v4.1: 47 of 1,614,034 alleles (0.0029%); highest among the groups gnomAD compares: Middle Eastern, 0.049%; no homozygotes.

Submissions (6):

Labcorp Genetics (formerly Invitae), Labcorp
Classification: Uncertain significance for Autosomal recessive limb-girdle muscular dystrophy type 2A. Last evaluated: 2022-08-23. Review status: criteria provided, single submitter. Criteria: Invitae Variant Classification Sherloc (09022015). Collection method: clinical testing. Allele origin: germline.
Comment: This sequence change replaces arginine, which is basic and polar, with histidine, which is basic and polar, at codon 546 of the CAPN3 protein (p.Arg546His). This variant is present in population databases (rs762091599, gnomAD 0.01%). This variant has not been reported in the literature in individuals affected with CAPN3-related conditions. ClinVar contains an entry for this variant (Variation ID: 284783). Algorithms developed to predict the effect of missense changes on protein structure and function (SIFT, PolyPhen-2, Align-GVGD) all suggest that this variant is likely to be disruptive. In summary, the available evidence is currently insufficient to determine the role of this variant in disease. Therefore, it has been classified as a Variant of Uncertain Significance.

Fulgent Genetics
Classification: Uncertain significance for Autosomal recessive limb-girdle muscular dystrophy type 2A; Muscular dystrophy, limb-girdle, autosomal dominant 4. Last evaluated: 2021-09-04. Review status: criteria provided, single submitter. Criteria: ACMG Guidelines, 2015. Collection method: clinical testing. Allele origin: unknown.

Illumina Laboratory Services, Illumina
Classification: Uncertain significance for Limb-girdle muscular dystrophy, type 2A. Last evaluated: 2018-01-13. Review status: criteria provided, single submitter. Criteria: ICSL Variant Classification Criteria 13 December 2019. Collection method: clinical testing. Allele origin: germline.

Eurofins Ntd Llc (ga)
Classification: Uncertain significance. Last evaluated: 2015-12-04. Review status: criteria provided, single submitter. Criteria: EGL Classification Definitions 2015. Collection method: clinical testing. Allele origin: germline. Observed: 1 variant allele, 1 heterozygote.

Kariminejad - Najmabadi Pathology & Genetics Center
Classification: Likely pathogenic for Autosomal recessive limb-girdle muscular dystrophy type 2A. Review status: criteria provided, single submitter. Criteria: ACMG Guidelines, 2015. Collection method: clinical testing. Allele origin: germline. Affected: no.

Natera, Inc.
Classification: Uncertain significance for Limb-girdle muscular dystrophy type 2A. Last evaluated: 2020-03-17. Review status: no assertion criteria provided. Collection method: clinical testing. Allele origin: germline. Not counted in ClinVar's aggregate classification.